The following is an entry in ClinVar:

ClinVar aggregate classification (germline): Pathogenic (1 of 4 stars; one submission).

Conditions:
Fabry disease. Also called: ALPHA-GALACTOSIDASE A DEFICIENCY; ANDERSON-FABRY DISEASE; CERAMIDE TRIHEXOSIDASE DEFICIENCY; GLA DEFICIENCY; HEREDITARY DYSTOPIC LIPIDOSIS; Angiokeratoma corporis diffusum. Identifiers: Orphanet 324, MedGen C0002986, MONDO:0010526, OMIM 301500, HP:0001071. Disease mechanism: Fabry disease is due to inactivating mutations in the X-linked GLA gene resulting in deficiency of the enzyme Alpha Galactosidase-A., loss of function.

Submission:

Genomenon, Inc
Classification: Pathogenic for Fabry disease. Last evaluated: 2026-09-08. Review status: criteria provided, single submitter. Criteria: Genomenon Sequence Variant Interpretation Standards - Updated. Collection method: curation. Allele origin: germline. Affected: yes.
Comment: GLA p.Ala156ProfsTer9 (c.466del) is a frameshift variant that is predicted to introduce a premature termination codon and result in a truncated or absent protein product. This variant has been observed in at least one proband with clinical features consistent with Fabry disease (PMID:25655062). It is absent or not present at a significant frequency in gnomAD. In conclusion, we classify GLA p.Ala156ProfsTer9 (c.466del) as a pathogenic variant.

Literature cited by the submitters: PubMed 25655062.

NM_000169.3(GLA):c.466del (p.Ala156fs)

Genes: GLA (galactosidase alpha; minus strand), RPL36A-HNRNPH2 (RPL36A-HNRNPH2 readthrough; plus strand). Cytogenetic location: Xq22.1.
Variant type: Deletion.
Coding change: c.466del on transcript NM_000169.3 (MANE Select); coding-DNA position 466, one base deleted (G; older notation c.466delG).
Protein change: p.Ala156fs; shifts the reading frame from alanine 156.
Molecular consequence: frameshift variant. On other transcripts: non-coding transcript variant (3), intron variant (2).
Genome position (GRCh38, 1-based): chrX:101,401,713, C deleted on the plus strand (G on the coding strand, the reverse complement: GLA is on the minus strand). VCF-style (leftmost placement, unchanged base first): chrX-101401712-GC-G. GRCh37 (hg19) VCF-style: chrX-100656700-GC-G.
Other names: c.589del, p.Ala197fs (NM_001406747.1, NM_001406749.1); c.466del, p.Ala156fs (NM_001406748.1); c.300+6256del (NM_001199973.2); c.177+9891del (NM_001199974.2); short protein forms A156fs, A197fs.
Identifiers: ClinVar variation 4086965 (VCV004086965.2).
Genomic context (GRCh38, chrX:101,401,712, plus strand): 5'-CTGTCACAGTAACAACCATCAAATTTTAGCAGATCTACTCCCCAGTCAGCAAAGGTCTGG[GC>G]ATCAATGTCGTAGTATCCAAAACTCCCAGGGAAGCCTGCGCAGGTTTTATTTCCAACATC-3'